The following is an entry in ClinVar:

ClinVar aggregate classification (germline): Uncertain significance. Review status: criteria provided, multiple submitters, no conflicts (2 of 4 stars). 2 submissions from 2 submitters: Uncertain significance (2). Last evaluated 2023-03-31.

Allele frequency attached by ClinVar (database versions not stated): TOPMed below 0.00001; gnomAD 0.00001; gnomAD exomes 0.00002 and 0.00006; ExAC 0.00007; 1000 Genomes Project 30x 0.00031; 1000 Genomes Project 0.00040.

Submissions (2):

GeneDx
Classification: Uncertain significance. Last evaluated: 2023-03-31. Review status: criteria provided, single submitter. Criteria: GeneDx Variant Classification Process June 2021. Collection method: clinical testing. Allele origin: germline. Affected: yes.
Comment: In silico analysis supports that this missense variant does not alter protein structure/function; Has not been previously published as pathogenic or benign to our knowledge

Eurofins Ntd Llc (ga)
Classification: Uncertain significance. Last evaluated: 2018-07-30. Review status: criteria provided, single submitter. Criteria: EGL ClinVar v180209 classification definitions. Collection method: clinical testing. Allele origin: germline. Observed: 1 variant allele, 1 heterozygote.

NM_004817.4(TJP2):c.64C>G (p.Pro22Ala)

Gene: TJP2 (tight junction protein 2; plus strand). Cytogenetic location: 9q21.11.
Variant type: single nucleotide variant.
Coding change: c.64C>G on transcript NM_004817.4 (MANE Select); coding-DNA position 64, C replaced by G.
Protein change: p.Pro22Ala; replaces proline 22 with alanine.
Molecular consequence: missense variant. On other transcripts: 5 prime UTR variant (3).
Genome position (GRCh38, 1-based): chr9:69,212,551, C>G. VCF-style: chr9-69212551-C-G. GRCh37 (hg19) VCF-style: chr9-71827467-C-G.
Other names: c.64C>G, p.Pro22Ala (LRG_1201t1, NM_001369872.1, NM_001369873.1 and 1 more transcripts); c.-6C>G (NM_001170414.2, NM_001369870.1, NM_001369871.1); c.76C>G, p.Pro26Ala (NM_001170415.1, NM_001369874.1, NM_001369875.1); c.157C>G, p.Pro53Ala (NM_001170416.2); c.64C>G (NM_004817.3); short protein forms P22A, P53A, P26A.
Identifiers: ClinVar variation 598215 (VCV000598215.6), dbSNP rs541933921, ClinGen allele CA5072892.